The following is an entry in ClinVar:

ClinVar aggregate classification (germline): Likely benign (0 of 4 stars; one submission).

Conditions:
NPC1L1-related disorder. Also called: NPC1L1-related condition.

Allele frequency attached by ClinVar (database versions not stated): gnomAD 0.00013; ESP Exome Variant Server 0.00031.
gnomAD v4.1: 346 of 1,613,964 alleles (0.021%); highest among the groups gnomAD compares: South Asian, 0.046%; 1 homozygote.

Submission:

PreventionGenetics, part of Exact Sciences
Classification: Likely benign for NPC1L1-related condition. Last evaluated: 2019-07-03. Review status: no assertion criteria provided. Collection method: clinical testing. Allele origin: germline.
Comment: This variant is classified as likely benign based on ACMG/AMP sequence variant interpretation guidelines (Richards et al. 2015 PMID: 25741868, with internal and published modifications).

NM_001101648.2(NPC1L1):c.1374G>A (p.Ser458=)

Gene: NPC1L1 (NPC1 like intracellular cholesterol transporter 1; minus strand). Cytogenetic location: 7p13.
Variant type: single nucleotide variant.
Coding change: c.1374G>A on transcript NM_001101648.2 (MANE Select); coding-DNA position 1374, G replaced by A.
Protein change: p.Ser458=; no amino-acid change (serine 458 retained).
Molecular consequence: synonymous variant.
Genome position (GRCh38, 1-based): chr7:44,539,023, C>T on the plus strand (G>A on the coding strand, the complement: NPC1L1 is on the minus strand). VCF-style: chr7-44539023-C-T. GRCh37 (hg19) VCF-style: chr7-44578622-C-T.
Other names: c.1374G>A, p.Ser458= (NM_001300967.2, NM_013389.3).
Identifiers: ClinVar variation 3043386 (VCV003043386.2), dbSNP rs148541253, ClinGen allele CA4242224.